The following is an entry in ClinVar:

NM_172245.4(CSF2RA):c.615C>A (p.Phe205Leu)

Gene: CSF2RA (colony stimulating factor 2 receptor subunit alpha; plus strand). Cytogenetic location: Xp22.33.
Variant type: single nucleotide variant.
Coding change: c.615C>A on transcript NM_172245.4 (MANE Select); coding-DNA position 615, C replaced by A.
Protein change: p.Phe205Leu; replaces phenylalanine 205 with leucine.
Molecular consequence: missense variant. On other transcripts: non-coding transcript variant (1).
Genome position (GRCh38, 1-based): chrX:1,290,478, C>A. VCF-style: chrX-1290478-C-A. GRCh37 (hg19) VCF-style: chrX-1409371-C-A.
Other names: c.615C>A, p.Phe205Leu (NM_001161529.2, NM_001161530.2, NM_001161531.2 and 20 more transcripts); c.216C>A, p.Phe72Leu (NM_001161532.2); short protein forms F205L, F72L.
Identifiers: ClinVar variation 1064378 (VCV001064378.6), dbSNP rs750757416, ClinGen allele CA10330879.

ClinVar aggregate classification (germline): Uncertain significance (1 of 4 stars; one submission).

Conditions:
Surfactant metabolism dysfunction, pulmonary, 4 (SMDP4). Also called: PAP DUE TO CSF2RA DEFICIENCY; CSF2RA DEFICIENCY; PULMONARY ALVEOLAR PROTEINOSIS, CONGENITAL, 4. Identifiers: Orphanet 264675, MedGen C2677877, MONDO:0010424, OMIM 300770.

Allele frequency attached by ClinVar (database versions not stated): ExAC 0.00001; gnomAD 0.00001; gnomAD exomes 0.00001 and 0.00005; TOPMed 0.00002.
gnomAD v4.1: 78 of 1,613,732 alleles (0.0048%); highest among the groups gnomAD compares: Non-Finnish European, 0.0064%; no homozygotes.

Submission:

Labcorp Genetics (formerly Invitae), Labcorp
Classification: Uncertain significance for Surfactant metabolism dysfunction, pulmonary, 4. Last evaluated: 2021-08-13. Review status: criteria provided, single submitter. Criteria: Invitae Variant Classification Sherloc (09022015). Collection method: clinical testing. Allele origin: germline.
Comment: This sequence change replaces phenylalanine with leucine at codon 205 of the CSF2RA protein (p.Phe205Leu). The phenylalanine residue is highly conserved and there is a small physicochemical difference between phenylalanine and leucine. This variant is present in population databases (no rsID available, ExAC 0.001%). This variant has not been reported in the literature in individuals affected with CSF2RA-related conditions. Algorithms developed to predict the effect of missense changes on protein structure and function are either unavailable or do not agree on the potential impact of this missense change (SIFT: "Tolerated"; PolyPhen-2: "Probably Damaging"; Align-GVGD: "Class C0"). In summary, the available evidence is currently insufficient to determine the role of this variant in disease. Therefore, it has been classified as a Variant of Uncertain Significance.